The following is an entry in ClinVar:

ClinVar aggregate classification (germline): Benign. Review status: criteria provided, multiple submitters, no conflicts (2 of 4 stars). 7 submissions from 6 submitters: Benign (7). Last evaluated 2026-02-01.

Conditions:
Nephronophthisis. Also called: Juvenile Nephronophthisis. Identifiers: Orphanet 655, MedGen C0687120, MONDO:0019005, HP:0000090.
Senior-Loken syndrome 4 (SLSN4). Identifiers: Orphanet 3156, MedGen C1846979, MONDO:0011756, OMIM 606996.
Nephronophthisis 4 (NPHP4). Also called: NEPHRONOPHTHISIS 4, JUVENILE. Identifiers: Orphanet 655, MedGen C1847013, MONDO:0011752, OMIM 606966.

Allele frequency attached by ClinVar (database versions not stated): gnomAD exomes 0.00262; ExAC 0.00467; ESP Exome Variant Server 0.01072; gnomAD 0.01143 and 0.01235; TOPMed 0.01228; 1000 Genomes Project 0.01338; 1000 Genomes Project 30x 0.01359.
gnomAD v4.1: 3,426 of 1,568,274 alleles (0.22%); highest among the groups gnomAD compares: African/African-American, 4.2%; 73 homozygotes.

Submissions (7):

Labcorp Genetics (formerly Invitae), Labcorp
Classification: Benign for Nephronophthisis. Last evaluated: 2026-02-01. Review status: criteria provided, single submitter. Criteria: Invitae Variant Classification Sherloc (09022015). Collection method: clinical testing. Allele origin: germline.

Mayo Clinic Laboratories, Mayo Clinic
Classification: Benign. Last evaluated: 2023-07-03. Review status: criteria provided, single submitter. Criteria: ACMG Guidelines, 2015. Collection method: clinical testing. Allele origin: germline. Observed: 14 variant alleles.
Comment: BS1, BS2, BP4, BP7

Illumina Laboratory Services, Illumina
Classification: Benign for Nephronophthisis 4. Last evaluated: 2018-01-12. Review status: criteria provided, single submitter. Criteria: ICSL Variant Classification Criteria 13 December 2019. Collection method: clinical testing. Allele origin: germline.
Comment: This variant was observed in the ICSL laboratory as part of a predisposition screen in an ostensibly healthy population. It had not been previously curated by ICSL or reported in the Human Gene Mutation Database (HGMD: prior to June 1st, 2018), and was therefore a candidate for classification through an automated scoring system. Utilizing variant allele frequency, disease prevalence and penetrance estimates, and inheritance mode, an automated score was calculated to assess if this variant is too frequent to cause the disease. Based on the score and internal cut-off values, a variant classified as benign is not then subjected to further curation. The score for this variant resulted in a classification of benign for this disease.

Illumina Laboratory Services, Illumina
Classification: Benign for Senior-Loken syndrome 4. Last evaluated: 2018-01-12. Review status: criteria provided, single submitter. Criteria: ICSL Variant Classification Criteria 13 December 2019. Collection method: clinical testing. Allele origin: germline.
Comment: the same text as in the submission from Illumina Laboratory Services, Illumina above.

Eurofins Ntd Llc (ga)
Classification: Benign. Last evaluated: 2015-07-09. Review status: criteria provided, single submitter. Criteria: EGL Classification Definitions 2015. Collection method: clinical testing. Allele origin: germline. Observed: 2 variant alleles, 2 heterozygotes.

Breakthrough Genomics
Classification: Benign. Review status: criteria provided, single submitter. Criteria: ACMG Guidelines, 2015. Collection method: not provided. Allele origin: germline. Inheritance: Autosomal recessive inheritance. Affected: yes.

PreventionGenetics, part of Exact Sciences
Classification: Benign. Review status: criteria provided, single submitter. Criteria: ACMG Guidelines, 2015. Collection method: clinical testing. Allele origin: germline.

NM_015102.5(NPHP4):c.2808G>A (p.Thr936=)

Gene: NPHP4 (nephrocystin 4; minus strand). Cytogenetic location: 1p36.31.
Variant type: single nucleotide variant.
Coding change: c.2808G>A on transcript NM_015102.5 (MANE Select); coding-DNA position 2808, G replaced by A.
Protein change: p.Thr936=; no amino-acid change (threonine 936 retained).
Molecular consequence: synonymous variant. On other transcripts: non-coding transcript variant (1).
Genome position (GRCh38, 1-based): chr1:5,877,102, C>T on the plus strand (G>A on the coding strand, the complement: NPHP4 is on the minus strand). VCF-style: chr1-5877102-C-T. GRCh37 (hg19) VCF-style: chr1-5937162-C-T.
Other names: p.Thr936=; c.1269G>A, p.Thr423= (NM_001291593.2); c.1272G>A, p.Thr424= (NM_001291594.2).
Identifiers: ClinVar variation 240968 (VCV000240968.22), dbSNP rs17028857, ClinGen allele CA553928.
Genomic context (GRCh38, chr1:5,877,102, plus strand): 5'-ACTCAGTCTGCATGGAGATCCCAGGACAGTGACAGCTGAACAAACCCTTACCAACACGCT[C>T]GTCCCGCGCCGGCCCAAGTCTCCCCCGGCCTCCTGCAGGCGCACAGACCTCATCCGCTCC-3'
Protein context (NP_055917.1, residues 926-946): EAGGDLGRRG[Thr936=]SVLAQQSVRT